The following is an entry in ClinVar:

NM_020693.4(DSCAML1):c.937+4A>G

Gene: DSCAML1 (DS cell adhesion molecule like 1; minus strand). Cytogenetic location: 11q23.3.
Variant type: single nucleotide variant.
Coding change: c.937+4A>G on transcript NM_020693.4 (MANE Select); 4 bases into the intron after coding-DNA position 937, A replaced by G.
Molecular consequence: intron variant.
Genome position (GRCh38, 1-based): chr11:117,524,801, T>C on the plus strand (A>G on the coding strand, the complement: DSCAML1 is on the minus strand). VCF-style: chr11-117524801-T-C. GRCh37 (hg19) VCF-style: chr11-117395516-T-C.
Other names: c.937+4A>G (NM_001367904.1); c.529+4A>G (NM_001367905.1).
Identifiers: ClinVar variation 2028282 (VCV002028282.4), dbSNP rs2543279778, ClinGen allele CA2580083661.

ClinVar aggregate classification (germline): Uncertain significance (1 of 4 stars; one submission).

Allele frequency attached by ClinVar (database versions not stated): gnomAD exomes below 0.00001.
gnomAD v4.1: 1 of 1,574,488 alleles (0.000064%); highest among the groups gnomAD compares: Non-Finnish European, 0.000086%; no homozygotes.

Submission:

Labcorp Genetics (formerly Invitae), Labcorp
Classification: Uncertain significance. Last evaluated: 2022-08-31. Review status: criteria provided, single submitter. Criteria: Invitae Variant Classification Sherloc (09022015). Collection method: clinical testing. Allele origin: germline.
Comment: In summary, the available evidence is currently insufficient to determine the role of this variant in disease. Therefore, it has been classified as a Variant of Uncertain Significance. Variants that disrupt the consensus splice site are a relatively common cause of aberrant splicing (PMID: 17576681, 9536098). Algorithms developed to predict the effect of sequence changes on RNA splicing suggest that this variant may create or strengthen a splice site. This variant has not been reported in the literature in individuals affected with DSCAML1-related conditions. This variant is not present in population databases (gnomAD no frequency). This sequence change falls in intron 5 of the DSCAML1 gene. It does not directly change the encoded amino acid sequence of the DSCAML1 protein. It affects a nucleotide within the consensus splice site.

Literature cited by the submitters: PubMed 17576681; PubMed 9536098.